The following is an entry in ClinVar:

NM_000388.4(CASR):c.944G>C (p.Gly315Ala)

Gene: CASR (calcium sensing receptor; plus strand). Cytogenetic location: 3q21.1.
Variant type: single nucleotide variant.
Coding change: c.944G>C on transcript NM_000388.4 (MANE Select); coding-DNA position 944, G replaced by C.
Protein change: p.Gly315Ala; replaces glycine 315 with alanine.
Molecular consequence: missense variant.
Genome position (GRCh38, 1-based): chr3:122,261,979, G>C. VCF-style: chr3-122261979-G-C. GRCh37 (hg19) VCF-style: chr3-121980826-G-C.
Other names: c.944G>C, p.Gly315Ala (NM_001178065.2); short protein forms G315A.
Identifiers: ClinVar variation 1766994 (VCV001766994.2), dbSNP rs1389231880, ClinGen allele CA354151706.

ClinVar aggregate classification (germline): Uncertain significance (1 of 4 stars; one submission).

Conditions:
Nephrolithiasis/nephrocalcinosis. Identifiers: MedGen CN580796.

Submission:

Ambry Genetics
Classification: Uncertain significance for Nephrolithiasis/nephrocalcinosis. Last evaluated: 2020-07-08. Review status: criteria provided, single submitter. Criteria: Ambry Variant Classification Scheme 2023. Collection method: clinical testing. Allele origin: germline.
Comment: The p.G315A variant (also known as c.944G>C), located in coding exon 3 of the CASR gene, results from a G to C substitution at nucleotide position 944. The glycine at codon 315 is replaced by alanine, an amino acid with similar properties. This amino acid position is well conserved in available vertebrate species. In addition, the in silico prediction for this alteration is inconclusive. Since supporting evidence is limited at this time, the clinical significance of this alteration remains unclear.